The following is an entry in ClinVar:

ClinVar aggregate classification (germline): Uncertain significance. Review status: criteria provided, multiple submitters, no conflicts (2 of 4 stars). 3 submissions from 3 submitters: Uncertain significance (2). 1 of the submissions does not count toward it. Last evaluated 2022-05-04.

Conditions:
Nemaline myopathy 2 (NEM2). Also called: Nemaline myopathy 2, autosomal recessive. Identifiers: MedGen C1850569, MONDO:0009725, OMIM 256030.
Arthrogryposis multiplex congenita 6. Identifiers: MedGen C5543431, MONDO:0030281, OMIM 619334.

Allele frequency attached by ClinVar (database versions not stated): gnomAD exomes 0.00001.
gnomAD v4.1: 8 of 1,613,962 alleles (0.0005%); highest among the groups gnomAD compares: African/African-American, 0.0013%; no homozygotes.

Submissions (3):

Fulgent Genetics
Classification: Uncertain significance for Nemaline myopathy 2; Arthrogryposis multiplex congenita 6. Last evaluated: 2022-05-04. Review status: criteria provided, single submitter. Criteria: ACMG Guidelines, 2015. Collection method: clinical testing. Allele origin: unknown.

Labcorp Genetics (formerly Invitae), Labcorp
Classification: Uncertain significance for Nemaline myopathy 2. Last evaluated: 2021-09-17. Review status: criteria provided, single submitter. Criteria: Invitae Variant Classification Sherloc (09022015). Collection method: clinical testing. Allele origin: germline.
Comment: This sequence change replaces arginine with tryptophan at codon 7408 of the NEB protein (p.Arg7408Trp). The arginine residue is moderately conserved and there is a moderate physicochemical difference between arginine and tryptophan. This variant is not present in population databases (ExAC no frequency). This variant has not been reported in the literature in individuals affected with NEB-related conditions. ClinVar contains an entry for this variant (Variation ID: 991197). Algorithms developed to predict the effect of missense changes on protein structure and function are either unavailable or do not agree on the potential impact of this missense change (SIFT: "Deleterious"; PolyPhen-2: "Not Available"; Align-GVGD: "Class C0"). In summary, the available evidence is currently insufficient to determine the role of this variant in disease. Therefore, it has been classified as a Variant of Uncertain Significance.

Natera, Inc.
Classification: Uncertain significance for Nemaline myopathy type 2. Last evaluated: 2020-06-03. Review status: no assertion criteria provided. Collection method: clinical testing. Allele origin: germline. Not counted in ClinVar's aggregate classification.

NM_001164508.2(NEB):c.22117C>T (p.Arg7373Trp)

Genes: NEB (nebulin; minus strand), RIF1 (replication timing regulatory factor 1; plus strand). Cytogenetic location: 2q23.3.
Variant type: single nucleotide variant.
Coding change: c.22117C>T on transcript NM_001164508.2 (MANE Select); coding-DNA position 22117, C replaced by T.
Protein change: p.Arg7373Trp; replaces arginine 7373 with tryptophan.
Molecular consequence: missense variant.
Genome position (GRCh38, 1-based): chr2:151,526,002, G>A on the plus strand (C>T on the coding strand, the complement: NEB is on the minus strand). VCF-style: chr2-151526002-G-A. GRCh37 (hg19) VCF-style: chr2-152382516-G-A.
Other names: c.22222C>T, p.Arg7408Trp (NM_001271208.2); c.22117C>T, p.Arg7373Trp (NM_001164507.2); c.17014C>T, p.Arg5672Trp (NM_004543.5); short protein forms R5672W, R7373W, R7408W.
Identifiers: ClinVar variation 991197 (VCV000991197.4), dbSNP rs779004876, ClinGen allele CA57626055.